The following is an entry in ClinVar:

NM_182914.3(SYNE2):c.6650G>A (p.Ser2217Asn)

Gene: SYNE2 (spectrin repeat containing nuclear envelope protein 2; plus strand). Cytogenetic location: 14q23.2.
Variant type: single nucleotide variant.
Coding change: c.6650G>A on transcript NM_182914.3 (MANE Select); coding-DNA position 6650, G replaced by A.
Protein change: p.Ser2217Asn; replaces serine 2217 with asparagine.
Molecular consequence: missense variant.
Genome position (GRCh38, 1-based): chr14:64,027,729, G>A. VCF-style: chr14-64027729-G-A. GRCh37 (hg19) VCF-style: chr14-64494447-G-A.
Other names: c.6650G>A, p.Ser2217Asn (NM_015180.6); short protein forms S2217N.
Identifiers: ClinVar variation 4853328 (VCV004853328.1).

ClinVar aggregate classification (germline): Uncertain significance (1 of 4 stars; one submission).

gnomAD v4.1: 9 of 1,614,006 alleles (0.00056%); highest among the groups gnomAD compares: Middle Eastern, 0.016%; no homozygotes.

Submission:

Women's Health and Genetics/Laboratory Corporation of America, LabCorp
Classification: Uncertain significance. Last evaluated: 2026-05-11. Review status: criteria provided, single submitter. Criteria: LabCorp Variant Classification Summary - May 2015. Collection method: clinical testing. Allele origin: germline.
Comment: Variant summary: SYNE2 c.6650G>A (p.Ser2217Asn) results in a conservative amino acid change in the encoded protein sequence. Algorithms developed to predict the effect of missense changes on protein structure and function all suggest that this variant is likely to be tolerated. The variant allele was found at a frequency of 8e-06 in 249272 control chromosomes. The available data on variant occurrences in the general population are insufficient to allow any conclusion about variant significance. To our knowledge, no occurrence of c.6650G>A in individuals affected with SYNE2-related conditions and no experimental evidence demonstrating its impact on protein function have been reported. No submitters have cited clinical-significance assessments for this variant to ClinVar. Based on the evidence outlined above, the variant was classified as uncertain significance.